The following is an entry in ClinVar:

NM_001680.5(FXYD2):c.75C>T (p.Thr25=)

Genes: FXYD2 (FXYD domain containing ion transport regulator 2; minus strand), FXYD6-FXYD2 (FXYD6-FXYD2 readthrough; minus strand). Cytogenetic location: 11q23.3.
Variant type: single nucleotide variant.
Coding change: c.75C>T on transcript NM_001680.5 (MANE Select); coding-DNA position 75, C replaced by T.
Protein change: p.Thr25=; no amino-acid change (threonine 25 retained).
Molecular consequence: synonymous variant. On other transcripts: intron variant (1).
Genome position (GRCh38, 1-based): chr11:117,822,470, G>A on the plus strand (C>T on the coding strand, the complement: FXYD2 is on the minus strand). VCF-style: chr11-117822470-G-A. GRCh37 (hg19) VCF-style: chr11-117693185-G-A.
Other names: c.309C>T, p.Thr103= (NM_001204268.3); c.69C>T, p.Thr23= (NM_021603.4); c.311+209C>T (NM_001243598.4); c.75C>T (NM_001680.4).
Identifiers: ClinVar variation 2046540 (VCV002046540.6), dbSNP rs145863486, ClinGen allele CA6297817.

ClinVar aggregate classification (germline): Benign/Likely benign. Review status: criteria provided, multiple submitters, no conflicts (2 of 4 stars). 3 submissions from 3 submitters: Benign (1); Likely benign (1). 1 of the submissions does not count toward it. Last evaluated 2025-12-01.

Conditions:
FXYD2-related disorder. Also called: FXYD2-related condition.

Allele frequency attached by ClinVar (database versions not stated): ESP Exome Variant Server 0.00039; 1000 Genomes Project 0.00060; 1000 Genomes Project 30x 0.00062; gnomAD 0.00064; TOPMed 0.00066; ExAC 0.00073.
gnomAD v4.1: 1,333 of 1,561,578 alleles (0.085%); highest among the groups gnomAD compares: Non-Finnish European, 0.11%; no homozygotes.

Submissions (3):

Labcorp Genetics (formerly Invitae), Labcorp
Classification: Benign. Last evaluated: 2025-12-01. Review status: criteria provided, single submitter. Criteria: Invitae Variant Classification Sherloc (09022015). Collection method: clinical testing. Allele origin: germline.

Blueprint Genetics
Classification: Likely benign. Last evaluated: 2024-10-31. Review status: criteria provided, single submitter. Criteria: ACMG Guidelines, 2015. Collection method: clinical testing. Allele origin: germline.

PreventionGenetics, part of Exact Sciences
Classification: Likely benign for FXYD2-related condition. Last evaluated: 2024-08-15. Review status: no assertion criteria provided. Collection method: clinical testing. Allele origin: germline. Not counted in ClinVar's aggregate classification.
Comment: This variant is classified as likely benign based on ACMG/AMP sequence variant interpretation guidelines (Richards et al. 2015 PMID: 25741868, with internal and published modifications).